The following is an entry in ClinVar:

ClinVar aggregate classification (germline): Uncertain significance (1 of 4 stars; one submission).

Conditions:
POMC-related disorder. Also called: POMC-related disorders; POMC-related condition.

Submission:

PreventionGenetics, part of Exact Sciences
Classification: Uncertain significance for POMC-related condition. Last evaluated: 2026-06-07. Review status: criteria provided, single submitter. Criteria: ACMG Guidelines, 2015. Collection method: clinical testing. Allele origin: germline.
Comment: The POMC c.407A>G variant is predicted to result in the amino acid substitution p.Lys136Arg. To our knowledge, this variant has not been reported in the literature or in a large population database (gnomAD), indicating this variant is rare. At this time, the clinical significance of this variant is uncertain due to the absence of conclusive functional and genetic evidence.

NM_000939.4(POMC):c.407A>G (p.Lys136Arg)

Gene: POMC (proopiomelanocortin; minus strand). Cytogenetic location: 2p23.3.
Variant type: single nucleotide variant.
Coding change: c.407A>G on transcript NM_000939.4 (MANE Select); coding-DNA position 407, A replaced by G.
Protein change: p.Lys136Arg; replaces lysine 136 with arginine.
Molecular consequence: missense variant.
Genome position (GRCh38, 1-based): chr2:25,161,478, T>C on the plus strand (A>G on the coding strand, the complement: POMC is on the minus strand). VCF-style: chr2-25161478-T-C. GRCh37 (hg19) VCF-style: chr2-25384347-T-C.
Other names: c.407A>G, p.Lys136Arg (NM_001035256.3, NM_001319204.2, NM_001319205.2); short protein forms K136R.
Identifiers: ClinVar variation 4994793 (VCV004994793.1).